The following is an entry in ClinVar:

NM_004329.3(BMPR1A):c.97dup (p.Thr33fs)

Gene: BMPR1A (bone morphogenetic protein receptor type 1A; plus strand). Cytogenetic location: 10q23.2.
Variant type: Duplication.
Coding change: c.97dup on transcript NM_004329.3 (MANE Select); coding-DNA position 97, one base duplicated (A; older notation c.97dupA).
Protein change: p.Thr33fs; shifts the reading frame from threonine 33.
Molecular consequence: frameshift variant.
Genome position (GRCh38, 1-based): chr10:86,890,091, A duplicated. VCF-style (leftmost placement, unchanged base first): chr10-86890090-C-CA. GRCh37 (hg19) VCF-style: chr10-88649847-C-CA.
Other names: c.97dupA (NM_004329.2); short protein forms T33fs.
Identifiers: ClinVar variation 1446949 (VCV001446949.7), dbSNP rs2133394533, ClinGen allele CA2573145683.

ClinVar aggregate classification (germline): Pathogenic. Review status: criteria provided, multiple submitters, no conflicts (2 of 4 stars). 2 submissions from 2 submitters: Pathogenic (2). Last evaluated 2026-02-18.

Conditions:
Juvenile polyposis syndrome (JPS). Identifiers: Orphanet 2929, MedGen C0345893, MONDO:0017380, OMIM 174900.
Hereditary cancer-predisposing syndrome. Also called: Neoplastic Syndromes, Hereditary; Tumor predisposition; Hereditary Cancer Syndrome; Hereditary neoplastic syndrome. Identifiers: Orphanet 140162, MedGen C0027672, MeSH D009386, MONDO:0015356.

Submissions (2):

Ambry Genetics
Classification: Pathogenic for Hereditary cancer-predisposing syndrome. Last evaluated: 2026-02-18. Review status: criteria provided, single submitter. Criteria: Ambry Variant Classification Scheme 2023. Collection method: clinical testing. Allele origin: germline.
Comment: The c.97dupA pathogenic mutation, located in coding exon 2 of the BMPR1A gene, results from a duplication of A at nucleotide position 97, causing a translational frameshift with a predicted alternate stop codon (p.T33Nfs*38). This variant is considered to be rare based on population cohorts in the Genome Aggregation Database (gnomAD). This alteration is expected to result in loss of function by premature protein truncation or nonsense-mediated mRNA decay. As such, this alteration is interpreted as a disease-causing mutation.

Labcorp Genetics (formerly Invitae), Labcorp
Classification: Pathogenic for Juvenile polyposis syndrome. Last evaluated: 2020-11-11. Review status: criteria provided, single submitter. Criteria: Invitae Variant Classification Sherloc (09022015). Collection method: clinical testing. Allele origin: germline.
Comment: This sequence change creates a premature translational stop signal (p.Thr33Asnfs*38) in the BMPR1A gene. It is expected to result in an absent or disrupted protein product. Loss-of-function variants in BMPR1A are known to be pathogenic (PMID: 11536076, 12417513). This variant is not present in population databases (ExAC no frequency). This variant has not been reported in the literature in individuals with BMPR1A-related conditions. For these reasons, this variant has been classified as Pathogenic.

Literature cited by the submitters: PubMed 11536076 (cited by Labcorp Genetics (formerly Invitae), Labcorp); PubMed 12417513 (cited by Labcorp Genetics (formerly Invitae), Labcorp).